The following is an entry in ClinVar:

ClinVar aggregate classification (germline): Uncertain significance (1 of 4 stars; one submission).

Conditions:
Hereditary breast ovarian cancer syndrome. Also called: Hereditary breast and/or ovarian cancer syndrome; Hereditary breast and ovarian cancer syndrome; Breast and ovarian cancer; Hereditary breast and ovarian cancer syndrome (HBOC); BRCA1- and BRCA2-Associated Hereditary Breast and Ovarian Cancer; Hereditary breast and ovarian cancer. Identifiers: Orphanet 145, MedGen C0677776, MeSH D061325, MONDO:0003582. Disease mechanism: loss of function.

Submission:

Labcorp Genetics (formerly Invitae), Labcorp
Classification: Uncertain significance for Hereditary breast ovarian cancer syndrome. Last evaluated: 2025-10-14. Review status: criteria provided, single submitter. Criteria: Invitae Variant Classification Sherloc (09022015). Collection method: clinical testing. Allele origin: germline.
Comment: This variant, c.8123_8125del, results in the deletion of 1 amino acid(s) of the BRCA2 protein (p.Thr2708del), but otherwise preserves the integrity of the reading frame. This variant is not present in population databases (gnomAD no frequency). This variant has not been reported in the literature in individuals affected with BRCA2-related conditions. Experimental studies and prediction algorithms are not available or were not evaluated, and the functional significance of this variant is currently unknown. In summary, the available evidence is currently insufficient to determine the role of this variant in disease. Therefore, it has been classified as a Variant of Uncertain Significance.

NM_000059.4(BRCA2):c.8123_8125del (p.Thr2708del)

Gene: BRCA2 (BRCA2 DNA repair associated; plus strand). Cytogenetic location: 13q13.1.
Variant type: Deletion.
Coding change: c.8123_8125del on transcript NM_000059.4 (MANE Select); coding-DNA positions 8123 to 8125, 3 bases deleted (CTA; older notation c.8123_8125delCTA).
Protein change: p.Thr2708del; deletes threonine 2708.
Molecular consequence: inframe deletion. On other transcripts: non-coding transcript variant (1).
Genome position (GRCh38, 1-based): chr13:32,363,325-32,363,327, CTA deleted; deleting any 3 consecutive bases within chr13:32,363,324-32,363,327 gives the same sequence; the c. name uses the placement nearest the transcript's 3' end. VCF-style (leftmost placement, unchanged base first): chr13-32363323-AACT-A. GRCh37 (hg19) VCF-style: chr13-32937460-AACT-A.
Other names: c.8027_8029del, p.Thr2676del (NM_001406719.1); c.8123_8125del, p.Thr2708del (NM_001406720.1, NM_001432077.1); c.3191_3193del, p.Thr1064del (NM_001406721.1); c.1706_1708del, p.Thr569del (NM_001406722.1); short protein forms T1064del, T2676del, T569del, T2708del.
Identifiers: ClinVar variation 4729225 (VCV004729225.1).
Genomic context (GRCh38, chr13:32,363,323, plus strand): 5'-TCTCTGTGTTTCTGACATAATTTCATTGAGCGCAAATATATCTGAAACTTCTAGCAATAA[AACT>A]AGTAGTGCAGATACCCAAAAAGTGGCCATTATTGAACTTACAGATGGGTGGTATGCTGTT-3'